The following is an entry in ClinVar:

NM_020297.4(ABCC9):c.4315_4315+5del

Genes: ABCC9 (ATP binding cassette subfamily C member 9; minus strand), KCNJ8-AS1 (KCNJ8 antisense RNA 1; plus strand). Cytogenetic location: 12p12.1.
Variant type: Deletion.
Coding change: c.4315_4315+5del on transcript NM_020297.4 (MANE Select); coding-DNA position 4315 through 5 bases into the intron after coding-DNA position 4315, 6 bases deleted (GGTATA; older notation c.4315_4315+5delGGTATA).
Molecular consequence: splice donor variant.
Genome position (GRCh38, 1-based): chr12:21,809,847-21,809,852, TATACC deleted on the plus strand (GGTATA on the coding strand, the reverse complement: ABCC9 is on the minus strand); deleting any 6 consecutive bases within chr12:21,809,847-21,809,854 gives the same sequence; the c. name uses the placement nearest the transcript's 3' end. VCF-style (leftmost placement, unchanged base first): chr12-21809846-ATATACC-A. GRCh37 (hg19) VCF-style: chr12-21962780-ATATACC-A.
Other names: c.3448_3448+5del (NM_001377274.1); c.4315_4315+5del (NM_005691.4, NM_001377273.1).
Identifiers: ClinVar variation 4689946 (VCV004689946.1).

ClinVar aggregate classification (germline): Uncertain significance (1 of 4 stars; one submission).

Submission:

GeneDx
Classification: Uncertain significance. Last evaluated: 2025-07-29. Review status: criteria provided, single submitter. Criteria: GeneDx Variant Classification Process June 2021. Collection method: clinical testing. Allele origin: germline. Affected: yes.
Comment: Not observed at significant frequency in large population cohorts (gnomAD); Canonical splice site variant in a gene or region of a gene for which loss of function is not a well-established mechanism of disease; Has not been previously published as pathogenic or benign to our knowledge